The following is an entry in ClinVar:

ClinVar aggregate classification (germline): Uncertain significance (1 of 4 stars; one submission).

Submission:

GeneDx
Classification: Uncertain significance. Last evaluated: 2026-03-25. Review status: criteria provided, single submitter. Criteria: GeneDx Variant Classification Process June 2021. Collection method: clinical testing. Allele origin: germline.
Comment: Not observed at significant frequency in large population cohorts (gnomAD); In silico analysis suggests that this missense variant does not alter protein structure/function; Has not been previously published as pathogenic or benign to our knowledge

NM_000083.3(CLCN1):c.2633T>C (p.Val878Ala)

Gene: CLCN1 (chloride voltage-gated channel 1; plus strand). Cytogenetic location: 7q34.
Variant type: single nucleotide variant.
Coding change: c.2633T>C on transcript NM_000083.3 (MANE Select); coding-DNA position 2633, T replaced by C.
Protein change: p.Val878Ala; replaces valine 878 with alanine.
Molecular consequence: missense variant. On other transcripts: non-coding transcript variant (1).
Genome position (GRCh38, 1-based): chr7:143,351,631, T>C. VCF-style: chr7-143351631-T-C. GRCh37 (hg19) VCF-style: chr7-143048724-T-C.
Other names: short protein forms V878A.
Identifiers: ClinVar variation 5016998 (VCV005016998.1).
Genomic context (GRCh38, chr7:143,351,631, plus strand): 5'-TTTCCTTTCCCACTGCTCTTCAGCTACAGAAGGCCATTGAGGGGCACACCAAGTCTGGGG[T>C]GCAGCTCCGCCCTCCCCTTGCCAGCTTCCGGAACACGACTTCAACTCGAAAGAGTACCGG-3'
Protein context (NP_000074.3, residues 868-888): KAIEGHTKSG[Val878Ala]QLRPPLASFR